The following is an entry in ClinVar:

ClinVar aggregate classification (germline): Uncertain significance. Review status: criteria provided, multiple submitters, no conflicts (2 of 4 stars). 2 submissions from 2 submitters: Uncertain significance (2). Last evaluated 2024-02-04.

Conditions:
Familial thoracic aortic aneurysm and aortic dissection (TAAD). Also called: Thoracic aortic aneurysms and dissections. Identifiers: Orphanet 91387, MedGen C4707243, MONDO:0019625.

Allele frequency attached by ClinVar (database versions not stated): gnomAD 0.00001.
gnomAD v4.1: 1 of 1,614,038 alleles (0.000062%); highest among the groups gnomAD compares: Non-Finnish European, 0.000085%; no homozygotes.

Submissions (2):

Color Diagnostics, LLC DBA Color Health
Classification: Uncertain significance for Familial thoracic aortic aneurysm and aortic dissection. Last evaluated: 2024-02-04. Review status: criteria provided, single submitter. Criteria: ACMG Guidelines, 2015. Collection method: clinical testing. Allele origin: germline.
Comment: This missense variant replaces phenylalanine with valine at codon 170 of the TGFBR1 protein. Computational prediction suggests that this variant may not impact protein structure and function (internally defined REVEL score threshold <= 0.5, PMID: 27666373). To our knowledge, functional studies have not been reported for this variant. This variant has not been reported in individuals affected with TGFBR1-related disorders in the literature. This variant has not been identified in the general population by the Genome Aggregation Database (gnomAD). The available evidence is insufficient to determine the role of this variant in disease conclusively. Therefore, this variant is classified as a Variant of Uncertain Significance.

Labcorp Genetics (formerly Invitae), Labcorp
Classification: Uncertain significance for Familial thoracic aortic aneurysm and aortic dissection. Last evaluated: 2021-08-31. Review status: criteria provided, single submitter. Criteria: Invitae Variant Classification Sherloc (09022015). Collection method: clinical testing. Allele origin: germline.
Comment: This sequence change replaces phenylalanine with valine at codon 170 of the TGFBR1 protein (p.Phe170Val). The phenylalanine residue is highly conserved and there is a small physicochemical difference between phenylalanine and valine. This variant is not present in population databases (ExAC no frequency). This variant has not been reported in the literature in individuals affected with TGFBR1-related conditions. Algorithms developed to predict the effect of missense changes on protein structure and function are either unavailable or do not agree on the potential impact of this missense change (SIFT: "Tolerated"; PolyPhen-2: "Probably Damaging"; Align-GVGD: "Class C0"). In summary, the available evidence is currently insufficient to determine the role of this variant in disease. Therefore, it has been classified as a Variant of Uncertain Significance.

NM_004612.4(TGFBR1):c.508T>G (p.Phe170Val)

Gene: TGFBR1 (transforming growth factor beta receptor 1; plus strand). Cytogenetic location: 9q22.33.
Variant type: single nucleotide variant.
Coding change: c.508T>G on transcript NM_004612.4 (MANE Select); coding-DNA position 508, T replaced by G.
Protein change: p.Phe170Val; replaces phenylalanine 170 with valine.
Molecular consequence: missense variant. On other transcripts: intron variant (1).
Genome position (GRCh38, 1-based): chr9:99,132,673, T>G. VCF-style: chr9-99132673-T-G. GRCh37 (hg19) VCF-style: chr9-101894955-T-G.
Other names: c.520T>G, p.Phe174Val (NM_001306210.2); c.343+3573T>G (NM_001130916.3); short protein forms F170V, F174V.
Identifiers: ClinVar variation 967474 (VCV000967474.7), dbSNP rs1827278456, ClinGen allele CA374228267.
Genomic context (GRCh38, chr9:99,132,673, plus strand): 5'-AACCGCACTGTCATTCACCATCGAGTGCCAAATGAAGAGGACCCTTCATTAGATCGCCCT[T>G]TTATTTCAGAGGGTACTACGTTGAAAGACTTAATTTATGATATGACAACGTCAGGTTCTG-3'
Protein context (NP_004603.1, residues 160-180): NEEDPSLDRP[Phe170Val]ISEGTTLKDL